The following is an entry in ClinVar:

NM_183065.4(TMEM107):c.22del (p.Val8fs)

Genes: TMEM107 (transmembrane protein 107; minus strand), LOC105371520 (uncharacterized LOC105371520; plus strand). Cytogenetic location: 17p13.1.
Variant type: Deletion.
Coding change: c.22del on transcript NM_183065.4 (MANE Select); coding-DNA position 22, one base deleted (G; older notation c.22delG).
Protein change: p.Val8fs; shifts the reading frame from valine 8.
Molecular consequence: frameshift variant. On other transcripts: non-coding transcript variant (1).
Genome position (GRCh38, 1-based): chr17:8,176,265, C deleted on the plus strand (G on the coding strand, the reverse complement: TMEM107 is on the minus strand). VCF-style (leftmost placement, unchanged base first): chr17-8176264-AC-A. GRCh37 (hg19) VCF-style: chr17-8079582-AC-A.
Other names: c.22del, p.Val8fs (NM_001351278.2, NM_001351279.2, NM_001351280.2 and 1 more transcripts); short protein forms V8fs.
Identifiers: ClinVar variation 2099585 (VCV002099585.4), dbSNP rs2507724877, ClinGen allele CA2580094972.

ClinVar aggregate classification (germline): Pathogenic (1 of 4 stars; one submission).

Submission:

Labcorp Genetics (formerly Invitae), Labcorp
Classification: Pathogenic. Last evaluated: 2024-01-24. Review status: criteria provided, single submitter. Criteria: Invitae Variant Classification Sherloc (09022015). Collection method: clinical testing. Allele origin: germline.
Comment: This sequence change creates a premature translational stop signal (p.Val8Cysfs*6) in the TMEM107 gene. It is expected to result in an absent or disrupted protein product. Loss-of-function variants in TMEM107 are known to be pathogenic (PMID: 22698544, 26123494). This variant is not present in population databases (gnomAD no frequency). This variant has not been reported in the literature in individuals affected with TMEM107-related conditions. ClinVar contains an entry for this variant (Variation ID: 2099585). For these reasons, this variant has been classified as Pathogenic.

Literature cited by the submitters: PubMed 22698544; PubMed 26123494.